The following is an entry in ClinVar:

ClinVar aggregate classification (germline): Uncertain significance. Review status: criteria provided, multiple submitters, no conflicts (2 of 4 stars). 2 submissions from 2 submitters: Uncertain significance (2). Last evaluated 2026-01-01.

Conditions:
Atrial fibrillation, familial, 7 (ATFB7). Identifiers: MedGen C2677106, MONDO:0012828, OMIM 612240.

Allele frequency attached by ClinVar (database versions not stated): gnomAD exomes 0.00001 and 0.00002; TOPMed 0.00009; gnomAD 0.00010 and 0.00011; 1000 Genomes Project 30x 0.00016.

Submissions (2):

Labcorp Genetics (formerly Invitae), Labcorp
Classification: Uncertain significance for Atrial fibrillation, familial, 7. Last evaluated: 2026-01-01. Review status: criteria provided, single submitter. Criteria: Invitae Variant Classification Sherloc (09022015). Collection method: clinical testing. Allele origin: germline.
Comment: This sequence change replaces asparagine, which is neutral and polar, with aspartic acid, which is acidic and polar, at codon 10 of the KCNA5 protein (p.Asn10Asp). The frequency data for this variant in the population databases is considered unreliable, as metrics indicate poor data quality at this position in the gnomAD database. This variant has not been reported in the literature in individuals affected with KCNA5-related conditions. ClinVar contains an entry for this variant (Variation ID: 662585). An algorithm developed to predict the effect of missense changes on protein structure and function (PolyPhen-2) suggests that this variant is likely to be disruptive. In summary, the available evidence is currently insufficient to determine the role of this variant in disease. Therefore, it has been classified as a Variant of Uncertain Significance.

Fulgent Genetics
Classification: Uncertain significance for Atrial fibrillation, familial, 7. Last evaluated: 2021-08-25. Review status: criteria provided, single submitter. Criteria: ACMG Guidelines, 2015. Collection method: clinical testing. Allele origin: unknown.

NM_002234.4(KCNA5):c.28A>G (p.Asn10Asp)

Gene: KCNA5 (potassium voltage-gated channel subfamily A member 5; plus strand). Cytogenetic location: 12p13.32.
Variant type: single nucleotide variant.
Coding change: c.28A>G on transcript NM_002234.4 (MANE Select); coding-DNA position 28, A replaced by G.
Protein change: p.Asn10Asp; replaces asparagine 10 with aspartic acid.
Molecular consequence: missense variant.
Genome position (GRCh38, 1-based): chr12:5,044,175, A>G. VCF-style: chr12-5044175-A-G. GRCh37 (hg19) VCF-style: chr12-5153341-A-G.
Other names: short protein forms N10D.
Identifiers: ClinVar variation 662585 (VCV000662585.10), dbSNP rs894679405, ClinGen allele CA231866726.